The following is an entry in ClinVar:

NC_000014.9:g.35405064G>A

Gene: NFKBIA (NFKB inhibitor alpha; minus strand). Cytogenetic location: 14q13.2.
Variant type: single nucleotide variant.
Genome position: GRCh38 VCF-style: chr14-35405064-G-A. GRCh37 (hg19) VCF-style: chr14-35874270-G-A.
Identifiers: ClinVar variation 1167988 (VCV001167988.9), dbSNP rs2233409, ClinGen allele CA15816419.
Genomic context (GRCh38, chr14:35,405,064, plus strand): 5'-CCCCTCCCCCCGGTACTTCCCTGCAGCCTGCACCCTGTAATCCTGTCCCTCTGCAAGTGA[G>A]CCTTCTTTCCCTGGGGTTTCCCACGATCGATTTGAATTGGGGTCGTCGGCTGCTGAGATC-3'

ClinVar aggregate classification (germline): Benign. Review status: criteria provided, multiple submitters, no conflicts (2 of 4 stars). 2 submissions from 2 submitters: Benign (2). Last evaluated 2026-01-26.

Conditions:
Ectodermal dysplasia and immunodeficiency 2. Identifiers: Orphanet 238468, Orphanet 98813, MedGen C2677481, MONDO:0012806, OMIM 612132.

Allele frequency attached by ClinVar (database versions not stated): 1000 Genomes Project 0.14976; 1000 Genomes Project 30x 0.15225; TOPMed 0.18311; gnomAD 0.19197 and 0.19281.

Submissions (2):

Labcorp Genetics (formerly Invitae), Labcorp
Classification: Benign for Ectodermal dysplasia and immunodeficiency 2. Last evaluated: 2026-01-26. Review status: criteria provided, single submitter. Criteria: Invitae Variant Classification Sherloc (09022015). Collection method: clinical testing. Allele origin: germline.

GeneDx
Classification: Benign. Last evaluated: 2021-06-19. Review status: criteria provided, single submitter. Criteria: GeneDx Variant Classification Process June 2021. Collection method: clinical testing. Allele origin: germline. Affected: yes.
Comment: This variant is associated with the following publications: (PMID: 19258923, 23487427, 12944982)